The following is an entry in ClinVar:

ClinVar aggregate classification (germline): Uncertain significance. Review status: criteria provided, multiple submitters, no conflicts (2 of 4 stars). 2 submissions from 2 submitters: Uncertain significance (2). Last evaluated 2025-04-08.

Allele frequency attached by ClinVar (database versions not stated): gnomAD exomes 0.00001; ExAC 0.00003; ESP Exome Variant Server 0.00008.
gnomAD v4.1: 12 of 1,614,036 alleles (0.00074%); highest among the groups gnomAD compares: South Asian, 0.0033%; no homozygotes.

Submissions (2):

Ambry Genetics
Classification: Uncertain significance. Last evaluated: 2025-04-08. Review status: criteria provided, single submitter. Criteria: Ambry Variant Classification Scheme 2023. Collection method: clinical testing. Allele origin: germline.

Labcorp Genetics (formerly Invitae), Labcorp
Classification: Uncertain significance. Last evaluated: 2022-08-16. Review status: criteria provided, single submitter. Criteria: Invitae Variant Classification Sherloc (09022015). Collection method: clinical testing. Allele origin: germline.
Comment: This sequence change replaces leucine, which is neutral and non-polar, with phenylalanine, which is neutral and non-polar, at codon 195 of the RPS6KC1 protein (p.Leu195Phe). This variant is present in population databases (rs372834454, gnomAD 0.004%). This variant has not been reported in the literature in individuals affected with RPS6KC1-related conditions. ClinVar contains an entry for this variant (Variation ID: 1489967). Algorithms developed to predict the effect of missense changes on protein structure and function are either unavailable or do not agree on the potential impact of this missense change (SIFT: "Tolerated"; PolyPhen-2: "Possibly Damaging"; Align-GVGD: "Class C0"). In summary, the available evidence is currently insufficient to determine the role of this variant in disease. Therefore, it has been classified as a Variant of Uncertain Significance.

NM_012424.6(RPS6KC1):c.583C>T (p.Leu195Phe)

Gene: RPS6KC1 (ribosomal protein S6 kinase C1; plus strand). Cytogenetic location: 1q32.3.
Variant type: single nucleotide variant.
Coding change: c.583C>T on transcript NM_012424.6 (MANE Select); coding-DNA position 583, C replaced by T.
Protein change: p.Leu195Phe; replaces leucine 195 with phenylalanine.
Molecular consequence: missense variant. On other transcripts: 5 prime UTR variant (13), non-coding transcript variant (3), intron variant (5).
Genome position (GRCh38, 1-based): chr1:213,129,637, C>T. VCF-style: chr1-213129637-C-T. GRCh37 (hg19) VCF-style: chr1-213302980-C-T.
Other names: c.583C>T (NM_012424.3); c.547C>T, p.Leu183Phe (NM_001136138.4); c.40C>T, p.Leu14Phe (NM_001287218.3, NM_001287219.3, NM_001287221.3 and 7 more transcripts); c.-632C>T (NM_001287220.3, NM_001349666.2, NM_001349667.2 and 4 more transcripts); c.583C>T, p.Leu195Phe (NM_001349646.2); c.-705C>T (NM_001349659.2); c.-625C>T (NM_001349660.2, NM_001349661.2, NM_001349662.2); c.-539C>T (NM_001349664.2, NM_001349670.2); and 5 more; short protein forms L14F, L195F, L183F.
Identifiers: ClinVar variation 1489967 (VCV001489967.10), dbSNP rs372834454, ClinGen allele CA1387209.
Genomic context (GRCh38, chr1:213,129,637, plus strand): 5'-CTTGCTGAGTTAGATGATGGAATGGCTTCCAATCAAAATTCTCCCATTAGAACTTTTGGT[C>T]TCAATCTTTCTTCGGATTCTTCAGCACTAGGGGCTGTTGCTTCTGACAGTGAACAGAGCA-3'
Protein context (NP_036556.2, residues 185-205): NQNSPIRTFG[Leu195Phe]NLSSDSSALG